The following is an entry in ClinVar:

NM_003049.4(SLC10A1):c.478G>A (p.Val160Met)

Gene: SLC10A1 (solute carrier family 10 member 1; minus strand). Cytogenetic location: 14q24.1.
Variant type: single nucleotide variant.
Coding change: c.478G>A on transcript NM_003049.4 (MANE Select); coding-DNA position 478, G replaced by A.
Protein change: p.Val160Met; replaces valine 160 with methionine.
Molecular consequence: missense variant.
Genome position (GRCh38, 1-based): chr14:69,786,186, C>T on the plus strand (G>A on the coding strand, the complement: SLC10A1 is on the minus strand). VCF-style: chr14-69786186-C-T. GRCh37 (hg19) VCF-style: chr14-70252903-C-T.
Other names: short protein forms V160M.
Identifiers: ClinVar variation 2467283 (VCV002467283.3), dbSNP rs775025675, ClinGen allele CA7246152.
Genomic context (GRCh38, chr14:69,786,186, plus strand): 5'-GTTTGGATTTGAGGACGATCCCTATGGTGCAAGGAATGAGAACCAGGACCAGTGATATCA[C>T]GATGCCTTTATAGGGCACCTTGTCCTTCAGGTCCCCATCATAGATCCCCCTGGAGTAGAT-3'
Protein context (NP_003040.1, residues 150-170): LKDKVPYKGI[Val160Met]ISLVLVLIPC

ClinVar aggregate classification (germline): Conflicting classifications of pathogenicity. Review status: criteria provided, conflicting classifications (1 of 4 stars). 2 submissions from 2 submitters: Uncertain significance (1); Likely benign (1). Last evaluated 2026-05-22.

Conditions:
SLC10A1-related disorder. Also called: SLC10A1-related condition.

Allele frequency attached by ClinVar (database versions not stated): ExAC 0.00002; gnomAD 0.00019; TOPMed 0.00030.
gnomAD v4.1: 57 of 1,613,932 alleles (0.0035%); highest among the groups gnomAD compares: African/African-American, 0.031%; no homozygotes.

Submissions (2):

PreventionGenetics, part of Exact Sciences
Classification: Uncertain significance for SLC10A1-related condition. Last evaluated: 2026-05-22. Review status: criteria provided, single submitter. Criteria: ACMG Guidelines, 2015. Collection method: clinical testing. Allele origin: germline.
Comment: The SLC10A1 c.478G>A variant is predicted to result in the amino acid substitution p.Val160Met. To our knowledge, this variant has not been reported in the literature. This variant is reported in 0.016% of alleles in individuals of African descent in gnomAD. At this time, the clinical significance of this variant is uncertain due to the absence of conclusive functional and genetic evidence.

Ambry Genetics
Classification: Likely benign. Last evaluated: 2023-03-01. Review status: criteria provided, single submitter. Criteria: Ambry Variant Classification Scheme 2023. Collection method: clinical testing. Allele origin: germline.